The following is an entry in ClinVar:

ClinVar aggregate classification (germline): Uncertain significance (1 of 4 stars; one submission).

Submission:

Labcorp Genetics (formerly Invitae), Labcorp
Classification: Uncertain significance. Last evaluated: 2024-11-11. Review status: criteria provided, single submitter. Criteria: Invitae Variant Classification Sherloc (09022015). Collection method: clinical testing. Allele origin: germline.
Comment: This sequence change replaces tyrosine, which is neutral and polar, with serine, which is neutral and polar, at codon 278 of the OR2W3 protein (p.Tyr278Ser). This variant is not present in population databases (gnomAD no frequency). This variant has not been reported in the literature in individuals affected with OR2W3-related conditions. ClinVar contains an entry for this variant (Variation ID: 1940490). An algorithm developed to predict the effect of missense changes on protein structure and function (PolyPhen-2) suggests that this variant is likely to be disruptive. In summary, the available evidence is currently insufficient to determine the role of this variant in disease. Therefore, it has been classified as a Variant of Uncertain Significance.

NM_001001957.2(OR2W3):c.833A>C (p.Tyr278Ser)

Gene: OR2W3 (olfactory receptor family 2 subfamily W member 3; plus strand). Cytogenetic location: 1q44.
Variant type: single nucleotide variant.
Coding change: c.833A>C on transcript NM_001001957.2 (MANE Select); coding-DNA position 833, A replaced by C.
Protein change: p.Tyr278Ser; replaces tyrosine 278 with serine.
Molecular consequence: missense variant.
Genome position (GRCh38, 1-based): chr1:247,896,419, A>C. VCF-style: chr1-247896419-A-C. GRCh37 (hg19) VCF-style: chr1-248059721-A-C.
Other names: short protein forms Y278S.
Identifiers: ClinVar variation 1940490 (VCV001940490.5), dbSNP rs1659612485, ClinGen allele CA345596575.